The following is an entry in ClinVar:

NM_145207.3(AFG2A):c.1169T>G (p.Val390Gly)

Gene: AFG2A (AFG2 AAA ATPase homolog A; plus strand). Cytogenetic location: 4q28.1.
Variant type: single nucleotide variant.
Coding change: c.1169T>G on transcript NM_145207.3 (MANE Select); coding-DNA position 1169, T replaced by G.
Protein change: p.Val390Gly; replaces valine 390 with glycine.
Molecular consequence: missense variant.
Genome position (GRCh38, 1-based): chr4:122,935,735, T>G. VCF-style: chr4-122935735-T-G. GRCh37 (hg19) VCF-style: chr4-123856890-T-G.
Other names: c.1166T>G, p.Val389Gly (NM_001317799.2, NM_001345856.2); short protein forms V389G, V390G.
Identifiers: ClinVar variation 982753 (VCV000982753.1), dbSNP rs1729041877, ClinGen allele CA358103691.

ClinVar aggregate classification (germline): Uncertain significance (1 of 4 stars; one submission).

Conditions:
Microcephaly-intellectual disability-sensorineural hearing loss-epilepsy-abnormal muscle tone syndrome (NEDHSB). Also called: NEURODEVELOPMENTAL DISORDER WITH HEARING LOSS, SEIZURES, AND BRAIN ABNORMALITIES. Identifiers: Orphanet 457351, MedGen C4225276, MONDO:0014698, OMIM 616577.

Allele frequency attached by ClinVar (database versions not stated): TOPMed below 0.00001.

Submission:

Institute of Human Genetics, University of Leipzig Medical Center
Classification: Uncertain significance for Microcephaly-intellectual disability-sensorineural hearing loss-epilepsy-abnormal muscle tone syndrome. Last evaluated: 2019-01-01. Review status: criteria provided, single submitter. Criteria: ACMG Guidelines, 2015. Collection method: clinical testing. Allele origin: unknown. Affected: yes.
Comment: This variant was identified as compound heterozygous.